The following is an entry in ClinVar:

NM_025099.6(CTC1):c.26C>G (p.Pro9Arg)

Genes: PFAS (phosphoribosylformylglycinamidine synthase; plus strand), CTC1 (CST telomere replication complex component 1; minus strand). Cytogenetic location: 17p13.1.
Variant type: single nucleotide variant.
Coding change: c.26C>G on transcript NM_025099.6 (MANE Select); coding-DNA position 26, C replaced by G.
Protein change: p.Pro9Arg; replaces proline 9 with arginine.
Molecular consequence: missense variant. On other transcripts: non-coding transcript variant (1).
Genome position (GRCh38, 1-based): chr17:8,248,011, G>C on the plus strand (C>G on the coding strand, the complement: CTC1 is on the minus strand). VCF-style: chr17-8248011-G-C. GRCh37 (hg19) VCF-style: chr17-8151329-G-C.
Other names: short protein forms P9R.
Identifiers: ClinVar variation 1409462 (VCV001409462.8), dbSNP rs377386669, ClinGen allele CA8372754.

ClinVar aggregate classification (germline): Uncertain significance (1 of 4 stars; one submission).

Conditions:
Dyskeratosis congenita. Identifiers: Orphanet 1775, MedGen C0265965, MONDO:0015780.

Allele frequency attached by ClinVar (database versions not stated): gnomAD 0.00001; ESP Exome Variant Server 0.00008.
gnomAD v4.1: 5 of 1,610,776 alleles (0.00031%); highest among the groups gnomAD compares: Non-Finnish European, 0.00042%; no homozygotes.

Submission:

Labcorp Genetics (formerly Invitae), Labcorp
Classification: Uncertain significance for Dyskeratosis congenita. Last evaluated: 2026-02-02. Review status: criteria provided, single submitter. Criteria: Invitae Variant Classification Sherloc (09022015). Collection method: clinical testing. Allele origin: germline.
Comment: This sequence change replaces proline, which is neutral and non-polar, with arginine, which is basic and polar, at codon 9 of the CTC1 protein (p.Pro9Arg). This variant is present in population databases (rs377386669, gnomAD 0.002%). This variant has not been reported in the literature in individuals affected with CTC1-related conditions. ClinVar contains an entry for this variant (Variation ID: 1409462). An algorithm developed to predict the effect of missense changes on protein structure and function (PolyPhen-2) suggests that this variant is likely to be tolerated. In summary, the available evidence is currently insufficient to determine the role of this variant in disease. Therefore, it has been classified as a Variant of Uncertain Significance.